The following is an entry in ClinVar:

ClinVar aggregate classification (germline): Uncertain significance (1 of 4 stars; one submission).

Conditions:
Hereditary cancer-predisposing syndrome. Also called: Neoplastic Syndromes, Hereditary; Tumor predisposition; Hereditary neoplastic syndrome; Hereditary Cancer Syndrome. Identifiers: Orphanet 140162, MedGen C0027672, MeSH D009386, MONDO:0015356.

Submission:

Ambry Genetics
Classification: Uncertain significance for Hereditary cancer-predisposing syndrome. Last evaluated: 2026-07-16. Review status: criteria provided, single submitter. Criteria: Ambry Variant Classification Scheme 2023. Collection method: clinical testing. Allele origin: germline.
Comment: The p.Q71H variant (also known as c.213G>C), located in coding exon 2 of the FH gene, results from a G to C substitution at nucleotide position 213. The glutamine at codon 71 is replaced by histidine, an amino acid with highly similar properties. This amino acid position is highly conserved in available vertebrate species. In addition, this alteration is predicted to be deleterious by in silico analysis. Based on the available evidence, the clinical significance of this variant remains unclear.

NM_000143.4(FH):c.213G>C (p.Gln71His)

Gene: FH (fumarate hydratase; minus strand). Cytogenetic location: 1q43.
Variant type: single nucleotide variant.
Coding change: c.213G>C on transcript NM_000143.4 (MANE Select); coding-DNA position 213, G replaced by C.
Protein change: p.Gln71His; replaces glutamine 71 with histidine.
Molecular consequence: missense variant.
Genome position (GRCh38, 1-based): chr1:241,517,236, C>G on the plus strand (G>C on the coding strand, the complement: FH is on the minus strand). VCF-style: chr1-241517236-C-G. GRCh37 (hg19) VCF-style: chr1-241680536-C-G.
Other names: short protein forms Q71H.
Identifiers: ClinVar variation 5021765 (VCV005021765.1).